The following is an entry in ClinVar:

ClinVar aggregate classification (germline): Uncertain significance. Review status: criteria provided, multiple submitters, no conflicts (2 of 4 stars). 2 submissions from 2 submitters: Uncertain significance (2). Last evaluated 2025-06-15.

Conditions:
Cardiovascular phenotype. Identifiers: MedGen CN230736.
Long QT syndrome (LQTS). Identifiers: MedGen C0023976, MeSH D008133, MONDO:0002442. Disease mechanism: loss of function. Inheritance: Various modes of inheritance.

Allele frequency attached by ClinVar (database versions not stated): gnomAD exomes below 0.00001; TOPMed below 0.00001.
gnomAD v4.1: 5 of 1,610,664 alleles (0.00031%); highest among the groups gnomAD compares: African/African-American, 0.0054%; no homozygotes.

Submissions (2):

Ambry Genetics
Classification: Uncertain significance for Cardiovascular phenotype. Last evaluated: 2025-06-15. Review status: criteria provided, single submitter. Criteria: Ambry Variant Classification Scheme 2023. Collection method: clinical testing. Allele origin: germline.
Comment: The p.A895E variant (also known as c.2684C>A), located in coding exon 8 of the AKAP9 gene, results from a C to A substitution at nucleotide position 2684. The alanine at codon 895 is replaced by glutamic acid, an amino acid with dissimilar properties. This amino acid position is well conserved in available vertebrate species. In addition, this alteration is predicted to be tolerated by in silico analysis. Since supporting evidence is limited at this time, the clinical significance of this alteration remains unclear.

Labcorp Genetics (formerly Invitae), Labcorp
Classification: Uncertain significance for Long QT syndrome. Last evaluated: 2025-05-01. Review status: criteria provided, single submitter. Criteria: Invitae Variant Classification Sherloc (09022015). Collection method: clinical testing. Allele origin: germline.
Comment: This sequence change replaces alanine, which is neutral and non-polar, with glutamic acid, which is acidic and polar, at codon 895 of the AKAP9 protein (p.Ala895Glu). This variant is not present in population databases (gnomAD no frequency). This variant has not been reported in the literature in individuals affected with AKAP9-related conditions. ClinVar contains an entry for this variant (Variation ID: 863288). An algorithm developed to predict the effect of missense changes on protein structure and function outputs the following: PolyPhen-2: "Benign". The glutamic acid amino acid residue is found in multiple mammalian species, which suggests that this missense change does not adversely affect protein function. In summary, the available evidence is currently insufficient to determine the role of this variant in disease. Therefore, it has been classified as a Variant of Uncertain Significance.

NM_005751.5(AKAP9):c.2684C>A (p.Ala895Glu)

Gene: AKAP9 (A-kinase anchoring protein 9; plus strand). Cytogenetic location: 7q21.2.
Variant type: single nucleotide variant.
Coding change: c.2684C>A on transcript NM_005751.5 (MANE Select); coding-DNA position 2684, C replaced by A.
Protein change: p.Ala895Glu; replaces alanine 895 with glutamic acid.
Molecular consequence: missense variant.
Genome position (GRCh38, 1-based): chr7:92,002,601, C>A. VCF-style: chr7-92002601-C-A. GRCh37 (hg19) VCF-style: chr7-91631915-C-A.
Other names: c.2684C>A, p.Ala895Glu (NM_147185.3); short protein forms A895E.
Identifiers: ClinVar variation 863288 (VCV000863288.12), dbSNP rs1426532950, ClinGen allele CA368124702.
Genomic context (GRCh38, chr7:92,002,601, plus strand): 5'-AAGATGATTTAGAAGACAGTAAAAATAAACAGGAATTAGAGTATAAAAGTAAACTTAAAG[C>A]ACTTAATGAAGAGCTTCATTTGCAAAGAATAAATCCAACTACAGTGAAAATGAAAAGTTC-3'
Protein context (NP_005742.4, residues 885-905): QELEYKSKLK[Ala895Glu]LNEELHLQRI